The following is an entry in ClinVar:

NM_033380.3(COL4A5):c.1817G>T (p.Gly606Val)

Gene: COL4A5 (collagen type IV alpha 5 chain; plus strand). Cytogenetic location: Xq22.3.
Variant type: single nucleotide variant.
Coding change: c.1817G>T on transcript NM_033380.3 (MANE Select); coding-DNA position 1817, G replaced by T.
Protein change: p.Gly606Val; replaces glycine 606 with valine.
Molecular consequence: missense variant.
Genome position (GRCh38, 1-based): chrX:108,598,739, G>T. VCF-style: chrX-108598739-G-T. GRCh37 (hg19) VCF-style: chrX-107841969-G-T.
Other names: c.1817G>T, p.Gly606Val (NM_000495.5); short protein forms G606V.
Identifiers: ClinVar variation 2842591 (VCV002842591.3), dbSNP rs2147813326, ClinGen allele CA413845677.

ClinVar aggregate classification (germline): Likely pathogenic (1 of 4 stars; one submission).

Submission:

Labcorp Genetics (formerly Invitae), Labcorp
Classification: Likely pathogenic. Last evaluated: 2023-03-03. Review status: criteria provided, single submitter. Criteria: Invitae Variant Classification Sherloc (09022015). Collection method: clinical testing. Allele origin: germline.
Comment: In summary, the currently available evidence indicates that the variant is pathogenic, but additional data are needed to prove that conclusively. Therefore, this variant has been classified as Likely Pathogenic. This variant disrupts the p.Gly606 amino acid residue in COL4A5. Other variant(s) that disrupt this residue have been observed in individuals with COL4A5-related conditions (PMID: 19728970), which suggests that this may be a clinically significant amino acid residue. This variant disrupts the triple helix domain of COL4A5. Glycine residues within the Gly-Xaa-Yaa repeats of the triple helix domain are required for the structure and stability of fibrillar collagens (PMID: 7695699, 8218237, 19344236). In COL4A5, missense variants at these glycine residues are significantly enriched in individuals with disease (PMID: 23720012, 27627812) compared to the general population (ExAC). Advanced modeling of protein sequence and biophysical properties (such as structural, functional, and spatial information, amino acid conservation, physicochemical variation, residue mobility, and thermodynamic stability) performed at Invitae indicates that this missense variant is expected to disrupt COL4A5 protein function. This missense change has been observed in individual(s) with Alport syndrome (Invitae). This variant is not present in population databases (gnomAD no frequency). This sequence change replaces glycine, which is neutral and non-polar, with valine, which is neutral and non-polar, at codon 606 of the COL4A5 protein (p.Gly606Val).

Literature cited by the submitters: PubMed 19728970; PubMed 7695699; PubMed 8218237; PubMed 19344236; PubMed 23720012; PubMed 27627812.